The following is an entry in ClinVar:

ClinVar aggregate classification (germline): Pathogenic (1 of 4 stars; one submission).

Conditions:
Duchenne muscular dystrophy (DMD). Also called: MUSCULAR DYSTROPHY, PSEUDOHYPERTROPHIC PROGRESSIVE, DUCHENNE TYPE; Duchenne Muscular Dystrophy (DMD). Identifiers: Orphanet 98896, MedGen C0013264, MONDO:0010679, OMIM 310200.

Submission:

Labcorp Genetics (formerly Invitae), Labcorp
Classification: Pathogenic for Duchenne muscular dystrophy. Last evaluated: 2023-12-02. Review status: criteria provided, single submitter. Criteria: Invitae Variant Classification Sherloc (09022015). Collection method: clinical testing. Allele origin: germline.
Comment: This variant is a gross deletion of the genomic region encompassing exon(s) 46-48 of the DMD gene. This deletion is out-of-frame, and is expected to create a premature termination codon and result in an absent or disrupted protein product. Loss-of-function variants in DMD are known to be pathogenic (PMID: 16770791, 25007885). A similar copy number variant has been observed in individual(s) with DMD-related conditions (PMID: 9007319, 9800909, 21851881, 24928015). For these reasons, this variant has been classified as Pathogenic.

Literature cited by the submitters: PubMed 16770791; PubMed 25007885; PubMed 9007319; PubMed 9800909; PubMed 21851881; PubMed 24928015.

NC_000023.11:g.(?_31875168)_(31932247_?)del

Gene: DMD (dystrophin; minus strand). Cytogenetic location: Xp21.1.
Variant type: Deletion.
Identifiers: ClinVar variation 455819 (VCV000455819.8).